The following is an entry in ClinVar:

ClinVar aggregate classification (germline): Uncertain significance (1 of 4 stars; one submission).

Allele frequency attached by ClinVar (database versions not stated): gnomAD exomes below 0.00001.
gnomAD v4.1: 1 of 1,613,706 alleles (0.000062%); highest among the groups gnomAD compares: Non-Finnish European, 0.000085%; no homozygotes.

Submission:

Labcorp Genetics (formerly Invitae), Labcorp
Classification: Uncertain significance. Last evaluated: 2022-06-14. Review status: criteria provided, single submitter. Criteria: Invitae Variant Classification Sherloc (09022015). Collection method: clinical testing. Allele origin: germline.
Comment: This sequence change replaces alanine, which is neutral and non-polar, with threonine, which is neutral and polar, at codon 846 of the MCM3AP protein (p.Ala846Thr). This variant is not present in population databases (gnomAD no frequency). This variant has not been reported in the literature in individuals affected with MCM3AP-related conditions. Algorithms developed to predict the effect of missense changes on protein structure and function (SIFT, PolyPhen-2, Align-GVGD) all suggest that this variant is likely to be disruptive. In summary, the available evidence is currently insufficient to determine the role of this variant in disease. Therefore, it has been classified as a Variant of Uncertain Significance.

NM_003906.5(MCM3AP):c.2536G>A (p.Ala846Thr)

Gene: MCM3AP (minichromosome maintenance complex component 3 associated protein; minus strand). Cytogenetic location: 21q22.3.
Variant type: single nucleotide variant.
Coding change: c.2536G>A on transcript NM_003906.5 (MANE Select); coding-DNA position 2536, G replaced by A.
Protein change: p.Ala846Thr; replaces alanine 846 with threonine.
Molecular consequence: missense variant.
Genome position (GRCh38, 1-based): chr21:46,270,493, C>T on the plus strand (G>A on the coding strand, the complement: MCM3AP is on the minus strand). VCF-style: chr21-46270493-C-T. GRCh37 (hg19) VCF-style: chr21-47690407-C-T.
Other names: short protein forms A846T.
Identifiers: ClinVar variation 2069040 (VCV002069040.4), dbSNP rs2517401364, ClinGen allele CA410565866.